The following is an entry in ClinVar:

ClinVar aggregate classification (germline): Uncertain significance. Review status: criteria provided, multiple submitters, no conflicts (2 of 4 stars). 2 submissions from 2 submitters: Uncertain significance (2). Last evaluated 2022-07-19.

Conditions:
Asphyxiating thoracic dystrophy 5 (SRTD5). Also called: SHORT-RIB THORACIC DYSPLASIA 5 WITH OR WITHOUT POLYDACTYLY; SHORT-RIB THORACIC DYSPLASIA 5 WITHOUT POLYDACTYLY. Identifiers: Orphanet 474, MedGen C3280598, MONDO:0013717, OMIM 614376.
Cranioectodermal dysplasia 4 (CED4). Identifiers: Orphanet 1515, MedGen C3280616, MONDO:0013719, OMIM 614378.
Senior-Loken syndrome 8 (SLSN8). Identifiers: Orphanet 3156, MedGen C4225376, MONDO:0014579, OMIM 616307.
Nephronophthisis 13 (NPHP13). Identifiers: Orphanet 655, MedGen C3280612, MONDO:0013718, OMIM 614377.
Spermatogenic failure 72 (SPGF72). Identifiers: MedGen C5676980, MONDO:0030809, OMIM 619867.

Allele frequency attached by ClinVar (database versions not stated): gnomAD exomes 0.00002 and 0.00006; ExAC 0.00004; gnomAD 0.00007 and 0.00008; TOPMed 0.00007.
gnomAD v4.1: 24 of 1,595,690 alleles (0.0015%); highest among the groups gnomAD compares: Admixed American, 0.041%; no homozygotes.

Submissions (2):

Labcorp Genetics (formerly Invitae), Labcorp
Classification: Uncertain significance for Senior-Loken syndrome 8; Asphyxiating thoracic dystrophy 5. Last evaluated: 2022-07-19. Review status: criteria provided, single submitter. Criteria: Invitae Variant Classification Sherloc (09022015). Collection method: clinical testing. Allele origin: germline.
Comment: This sequence change replaces valine, which is neutral and non-polar, with alanine, which is neutral and non-polar, at codon 376 of the WDR19 protein (p.Val376Ala). This variant is present in population databases (rs773816730, gnomAD 0.04%). This variant has not been reported in the literature in individuals affected with WDR19-related conditions. ClinVar contains an entry for this variant (Variation ID: 967099). Algorithms developed to predict the effect of missense changes on protein structure and function (SIFT, PolyPhen-2, Align-GVGD) all suggest that this variant is likely to be tolerated. In summary, the available evidence is currently insufficient to determine the role of this variant in disease. Therefore, it has been classified as a Variant of Uncertain Significance.

Fulgent Genetics
Classification: Uncertain significance for Asphyxiating thoracic dystrophy 5; Nephronophthisis 13; Cranioectodermal dysplasia 4; Senior-Loken syndrome 8; Spermatogenic failure 72. Last evaluated: 2022-03-09. Review status: criteria provided, single submitter. Criteria: ACMG Guidelines, 2015. Collection method: clinical testing. Allele origin: unknown.

NM_025132.4(WDR19):c.1127T>C (p.Val376Ala)

Gene: WDR19 (WD repeat domain 19; plus strand). Cytogenetic location: 4p14.
Variant type: single nucleotide variant.
Coding change: c.1127T>C on transcript NM_025132.4 (MANE Select); coding-DNA position 1127, T replaced by C.
Protein change: p.Val376Ala; replaces valine 376 with alanine.
Molecular consequence: missense variant.
Genome position (GRCh38, 1-based): chr4:39,216,006, T>C. VCF-style: chr4-39216006-T-C. GRCh37 (hg19) VCF-style: chr4-39217626-T-C.
Other names: c.647T>C, p.Val216Ala (NM_001317924.2); short protein forms V216A, V376A.
Identifiers: ClinVar variation 967099 (VCV000967099.8), dbSNP rs773816730, ClinGen allele CA2891779.